The following is an entry in ClinVar:

NM_001042413.2(GLIS3):c.1073G>T (p.Cys358Phe)

Gene: GLIS3 (GLIS family zinc finger 3; minus strand). Cytogenetic location: 9p24.2.
Variant type: single nucleotide variant.
Coding change: c.1073G>T on transcript NM_001042413.2 (MANE Select); coding-DNA position 1073, G replaced by T.
Protein change: p.Cys358Phe; replaces cysteine 358 with phenylalanine.
Molecular consequence: missense variant.
Genome position (GRCh38, 1-based): chr9:4,118,405, C>A on the plus strand (G>T on the coding strand, the complement: GLIS3 is on the minus strand). VCF-style: chr9-4118405-C-A. GRCh37 (hg19) VCF-style: chr9-4118405-C-A.
Other names: c.1073G>T (NM_001042413.1); c.608G>T, p.Cys203Phe (NM_152629.4); short protein forms C203F, C358F.
Identifiers: ClinVar variation 1908126 (VCV001908126.7), dbSNP rs560614098, ClinGen allele CA4968314.
Genomic context (GRCh38, chr9:4,118,405, plus strand): 5'-CCTCCAGGGGCCACCAGCACGCCCTTCTGGCTGCCGGGCACCGGGCGCGGCTGGGGAATG[C>A]AGCTGCCGCGCACGCCCAGGAAATGCCCGTAGACCTCCGGCTGCGGGGACAGGTTGGCCG-3'
Protein context (NP_001035878.1, residues 348-368): YGHFLGVRGS[Cys358Phe]IPQPRPVPGS

ClinVar aggregate classification (germline): Conflicting classifications of pathogenicity. Review status: criteria provided, conflicting classifications (1 of 4 stars). 3 submissions from 3 submitters: Uncertain significance (1); Likely benign (2). Last evaluated 2025-11-30.

Conditions:
Neonatal diabetes mellitus with congenital hypothyroidism. Also called: NDH SYNDROME. Identifiers: Orphanet 79118, MedGen C1857775, MONDO:0012436, OMIM 610199.
GLIS3-related disorder. Also called: GLIS3-related condition.

Allele frequency attached by ClinVar (database versions not stated): gnomAD 0.00006; ExAC 0.00031; 1000 Genomes Project 0.00060; 1000 Genomes Project 30x 0.00062.
gnomAD v4.1: 122 of 1,606,346 alleles (0.0076%); highest among the groups gnomAD compares: South Asian, 0.12%; 1 homozygote.

Submissions (3):

PreventionGenetics, part of Exact Sciences
Classification: Likely benign for GLIS3-related condition. Last evaluated: 2025-11-30. Review status: criteria provided, single submitter. Criteria: ACMG Guidelines, 2015. Collection method: clinical testing. Allele origin: germline.
Comment: This variant is classified as likely benign based on ACMG/AMP sequence variant interpretation guidelines (Richards et al. 2015 PMID: 25741868, with internal and published modifications).

Fulgent Genetics
Classification: Likely benign for Neonatal diabetes mellitus with congenital hypothyroidism. Last evaluated: 2024-03-01. Review status: criteria provided, single submitter. Criteria: ACMG Guidelines, 2015. Collection method: clinical testing. Allele origin: germline.

Labcorp Genetics (formerly Invitae), Labcorp
Classification: Uncertain significance. Last evaluated: 2022-05-04. Review status: criteria provided, single submitter. Criteria: Invitae Variant Classification Sherloc (09022015). Collection method: clinical testing. Allele origin: germline.
Comment: In summary, the available evidence is currently insufficient to determine the role of this variant in disease. Therefore, it has been classified as a Variant of Uncertain Significance. Algorithms developed to predict the effect of missense changes on protein structure and function (SIFT, PolyPhen-2, Align-GVGD) all suggest that this variant is likely to be disruptive. This variant has not been reported in the literature in individuals affected with GLIS3-related conditions. This variant is present in population databases (rs560614098, gnomAD 0.2%), including at least one homozygous and/or hemizygous individual. This sequence change replaces cysteine, which is neutral and slightly polar, with phenylalanine, which is neutral and non-polar, at codon 203 of the GLIS3 protein (p.Cys203Phe).